The following is an entry in ClinVar:

ClinVar aggregate classification (germline): Uncertain significance. Review status: criteria provided, multiple submitters, no conflicts (2 of 4 stars). 2 submissions from 2 submitters: Uncertain significance (2). Last evaluated 2025-10-21.

Conditions:
Kabuki syndrome. Also called: Kabuki make-up syndrome; NIIKAWA-KUROKI SYNDROME. Identifiers: Orphanet 2322, MedGen C0796004, MONDO:0016512.

Submissions (2):

Labcorp Genetics (formerly Invitae), Labcorp
Classification: Uncertain significance for Kabuki syndrome. Last evaluated: 2025-10-21. Review status: criteria provided, single submitter. Criteria: Invitae Variant Classification Sherloc (09022015). Collection method: clinical testing. Allele origin: germline.
Comment: This variant, c.11777_11881del, results in the deletion of 35 amino acid(s) of the KMT2D protein (p.Leu3926_Gln3960del), but otherwise preserves the integrity of the reading frame. This variant is not present in population databases (gnomAD no frequency). This variant has not been reported in the literature in individuals affected with KMT2D-related conditions. ClinVar contains an entry for this variant (Variation ID: 2091294). Experimental studies and prediction algorithms are not available or were not evaluated, and the functional significance of this variant is currently unknown. This variant disrupts a region of the KMT2D protein in which other variant(s) (p.Leu3948_Gln3953del) have been observed in individuals with KMT2D-related conditions (PMID: 24633898). This suggests that this is a clinically significant region of the protein, and that variants that disrupt it are likely to be disease-causing. In summary, the available evidence is currently insufficient to determine the role of this variant in disease. Therefore, it has been classified as a Variant of Uncertain Significance.

GeneDx
Classification: Uncertain significance. Last evaluated: 2023-12-21. Review status: criteria provided, single submitter. Criteria: GeneDx Variant Classification Process June 2021. Collection method: clinical testing. Allele origin: germline. Affected: yes.
Comment: Not observed at significant frequency in large population cohorts (gnomAD); In-frame deletion of 35 amino acids in a non-repeat region; In silico analysis supports a deleterious effect on protein structure/function; Has not been previously published as pathogenic or benign to our knowledge

Literature cited by the submitters: PubMed 24633898 (cited by Labcorp Genetics (formerly Invitae), Labcorp).

NM_003482.4(KMT2D):c.11777_11881del (p.Leu3926_Gln3960del)

Gene: KMT2D (lysine methyltransferase 2D; minus strand). Cytogenetic location: 12q13.12.
Variant type: Deletion.
Coding change: c.11777_11881del on transcript NM_003482.4 (MANE Select); coding-DNA positions 11777 to 11881, 105 bases deleted.
Protein change: p.Leu3926_Gln3960del.
Molecular consequence: inframe deletion. On other transcripts: inframe indel (1).
Genome position (GRCh38, 1-based): chr12:49,032,824-49,032,928, 105 bases deleted. GRCh37 (hg19): chr12:49,426,632-49,426,736.
Other names: c.11752_11856del105, p.Leu3926_Gln3960del (NM_003482.3); c.11777_11881del (NM_003482.3).
Identifiers: ClinVar variation 2091294 (VCV002091294.5), dbSNP rs2498360197, ClinGen allele CA2580085612.